The following is an entry in ClinVar:

ClinVar aggregate classification (germline): Pathogenic/Likely pathogenic. Review status: criteria provided, multiple submitters, no conflicts (2 of 4 stars). 5 submissions from 5 submitters: Pathogenic (4); Likely pathogenic (1). Last evaluated 2025-03-24.

Conditions:
Hereditary cancer-predisposing syndrome. Also called: Neoplastic Syndromes, Hereditary; Hereditary neoplastic syndrome; Tumor predisposition; Hereditary Cancer Syndrome. Identifiers: Orphanet 140162, MedGen C0027672, MeSH D009386, MONDO:0015356.
Ataxia-telangiectasia syndrome (AT). Also called: Ataxia telangiectasia (A-T); Cerebello-oculocutaneous telangiectasia; Immunodeficiency with ataxia telangiectasia; LOUIS-BAR SYNDROME; AT, COMPLEMENTATION GROUP C; ATAXIA-TELANGIECTASIA, FRESNO VARIANT. Identifiers: Orphanet 100, MedGen C0004135, MONDO:0008840, OMIM 208900.
Familial cancer of breast. Also called: hereditary breast carcinoma; Hereditary breast cancer; BREAST CANCER, FAMILIAL. Identifiers: Orphanet 227535, MedGen C0346153, MONDO:0016419, OMIM 114480. Disease mechanism: loss of function.

Submissions (5):

Labcorp Genetics (formerly Invitae), Labcorp
Classification: Pathogenic for Ataxia-telangiectasia syndrome. Last evaluated: 2025-03-24. Review status: criteria provided, single submitter. Criteria: Invitae Variant Classification Sherloc (09022015). Collection method: clinical testing. Allele origin: germline.
Comment: This sequence change creates a premature translational stop signal (p.Asn2736Valfs*16) in the ATM gene. It is expected to result in an absent or disrupted protein product. Loss-of-function variants in ATM are known to be pathogenic (PMID: 23807571, 25614872). This variant is not present in population databases (gnomAD no frequency). This variant has not been reported in the literature in individuals affected with ATM-related conditions. For these reasons, this variant has been classified as Pathogenic.

Myriad Genetics, Inc.
Classification: Pathogenic for Familial cancer of breast. Last evaluated: 2024-02-02. Review status: criteria provided, single submitter. Criteria: Myriad Autosomal Dominant, Autosomal Recessive and X-Linked Classification Criteria (2023). Collection method: clinical testing. Allele origin: unknown.
Comment: This variant is considered pathogenic. This variant creates a frameshift predicted to result in premature protein truncation.

Baylor Genetics
Classification: Likely pathogenic for Familial cancer of breast. Last evaluated: 2022-12-28. Review status: criteria provided, single submitter. Criteria: ACMG Guidelines, 2015. Collection method: clinical testing. Allele origin: unknown.

Ambry Genetics
Classification: Pathogenic for Hereditary cancer-predisposing syndrome. Last evaluated: 2022-12-20. Review status: criteria provided, single submitter. Criteria: Ambry Variant Classification Scheme 2023. Collection method: clinical testing. Allele origin: germline.
Comment: The c.8204_8205dupGT pathogenic mutation, located in coding exon 55 of the ATM gene, results from a duplication of two nucleotides at positions 8204 and 8205, causing a translational frameshift with a predicted alternate stop codon. This alteration is expected to result in loss of function by premature protein truncation or nonsense-mediated mRNA decay. As such, this alteration is interpreted as a disease-causing mutation.

Color Diagnostics, LLC DBA Color Health
Classification: Pathogenic for Hereditary cancer-predisposing syndrome. Last evaluated: 2020-01-15. Review status: criteria provided, single submitter. Criteria: ACMG Guidelines, 2015. Collection method: clinical testing. Allele origin: germline.
Comment: This variant inserts 2 nucleotides in exon 56 of the ATM gene, creating a frameshift and premature translation stop signal. This variant is expected to result in an absent or non-functional protein product. This variant has not been identified in the general population by the Genome Aggregation Database (gnomAD). Loss of ATM function is a known mechanism of disease. Based on the available evidence, this variant is classified as Pathogenic.

Literature cited by the submitters: PubMed 23807571 (cited by Labcorp Genetics (formerly Invitae), Labcorp); PubMed 25614872 (cited by Labcorp Genetics (formerly Invitae), Labcorp).

NM_000051.4(ATM):c.8204_8205dup (p.Asn2736fs)

Genes: ATM (ATM serine/threonine kinase; plus strand), C11orf65 (chromosome 11 open reading frame 65; minus strand). Cytogenetic location: 11q22.3.
Variant type: Microsatellite.
Coding change: c.8204_8205dup on transcript NM_000051.4 (MANE Select); coding-DNA positions 8204 to 8205, 2 bases duplicated (GT; older notation c.8204_8205dupGT).
Protein change: p.Asn2736fs; shifts the reading frame from asparagine 2736.
Molecular consequence: frameshift variant. On other transcripts: intron variant (2).
Genome position (GRCh38, 1-based): chr11:108,335,897-108,335,898, GT duplicated; duplicating any 2 consecutive bases within chr11:108,335,894-108,335,898 gives the same sequence; the c. name uses the placement nearest the transcript's 3' end. VCF-style (leftmost placement, unchanged base first): chr11-108335893-A-ATG. GRCh37 (hg19) VCF-style: chr11-108206620-A-ATG.
Other names: c.8204_8205dup, p.Asn2736fs (NM_001351834.2); c.641-26826CA[3] (NM_001330368.2); c.695-605CA[3] (NM_001351110.2); c.8204_8205dupGT (NM_000051.3); short protein forms N2736fs.
Identifiers: ClinVar variation 232153 (VCV000232153.21), dbSNP rs1555128432, ClinGen allele CA10579287.